The following is an entry in ClinVar:

NM_003640.5(ELP1):c.203G>C (p.Ser68Thr)

Gene: ELP1 (elongator acetyltransferase complex subunit 1; minus strand). Cytogenetic location: 9q31.3.
Variant type: single nucleotide variant.
Coding change: c.203G>C on transcript NM_003640.5 (MANE Select); coding-DNA position 203, G replaced by C.
Protein change: p.Ser68Thr; replaces serine 68 with threonine.
Molecular consequence: missense variant. On other transcripts: 5 prime UTR variant (2).
Genome position (GRCh38, 1-based): chr9:108,929,869, C>G on the plus strand (G>C on the coding strand, the complement: ELP1 is on the minus strand). VCF-style: chr9-108929869-C-G. GRCh37 (hg19) VCF-style: chr9-111692149-C-G.
Other names: p.Ser68Thr; c.-140G>C (NM_001318360.2); c.-657G>C (NM_001330749.2); short protein forms S68T.
Identifiers: ClinVar variation 4541464 (VCV004541464.1).

ClinVar aggregate classification (germline): Uncertain significance (1 of 4 stars; one submission).

gnomAD v4.1: 1 of 1,613,942 alleles (0.000062%); highest among the groups gnomAD compares: Admixed American, 0.0017%; no homozygotes.

Submission:

Mayo Clinic Laboratories, Mayo Clinic
Classification: Uncertain significance. Last evaluated: 2025-02-22. Review status: criteria provided, single submitter. Criteria: ACMG Guidelines, 2015. Collection method: clinical testing. Allele origin: germline. Observed: 1 variant allele.
Comment: BP4